The following is an entry in ClinVar:

NM_020442.6(VARS2):c.753+70A>C

Gene: VARS2 (valyl-tRNA synthetase 2, mitochondrial; plus strand). Cytogenetic location: 6p21.33.
Variant type: single nucleotide variant.
Coding change: c.753+70A>C on transcript NM_020442.6 (MANE Select); 70 bases into the intron after coding-DNA position 753, A replaced by C.
Molecular consequence: intron variant.
Genome position (GRCh38, 1-based): chr6:30,917,029, A>C. VCF-style: chr6-30917029-A-C. GRCh37 (hg19) VCF-style: chr6-30884806-A-C.
Other names: c.843+70A>C (NM_001167734.2); c.333+70A>C (NM_001167733.3).
Identifiers: ClinVar variation 1244594 (VCV001244594.4), dbSNP rs1264297, ClinGen allele CA12186946.

ClinVar aggregate classification (germline): Benign. Review status: criteria provided, multiple submitters, no conflicts (2 of 4 stars). 2 submissions from 2 submitters: Benign (2). Last evaluated 2024-07-31.

Allele frequency attached by ClinVar (database versions not stated): 1000 Genomes Project 30x 0.22064; 1000 Genomes Project 0.22204; TOPMed 0.26287; gnomAD 0.27899 and 0.27990; gnomAD exomes 0.34060.
gnomAD v4.1: 538,553 of 1,613,364 alleles (33%); highest among the groups gnomAD compares: Non-Finnish European, 36%; 93,578 homozygotes.

Submissions (2):

Unidad de Genómica Garrahan, Hospital de Pediatría Garrahan
Classification: Benign. Last evaluated: 2024-07-31. Review status: criteria provided, single submitter. Criteria: ACMG Guidelines, 2015. Collection method: clinical testing. Allele origin: germline. Affected: no. Observed: 47 variant alleles.
Comment: This variant is classified as Benign based on local population frequency. This variant was detected in 51% of patients studied in a panel designed for Epileptic and Developmental Encephalopathy, Progressive Myoclonus Epilepsy and Abnormal Movements and Neurodegeneration with brain iron accumulation. Number of patients: 47. Only high quality variants are reported.

GeneDx
Classification: Benign. Last evaluated: 2018-06-23. Review status: criteria provided, single submitter. Criteria: GeneDx Variant Classification Process June 2021. Collection method: clinical testing. Allele origin: germline. Affected: yes.